The following is an entry in ClinVar:

NM_001130987.2(DYSF):c.1212_1236del (p.Gly405fs)

Gene: DYSF (dysferlin; plus strand). Cytogenetic location: 2p13.2.
Variant type: Deletion.
Coding change: c.1212_1236del on transcript NM_001130987.2 (MANE Select); coding-DNA positions 1212 to 1236, 25 bases deleted (AGGCGTAGCCCTGCGAGGAGCCCAC).
Protein change: p.Gly405fs; shifts the reading frame from glycine 405.
Molecular consequence: frameshift variant.
Genome position (GRCh38, 1-based): chr2:71,526,282-71,526,306, AGGCGTAGCCCTGCGAGGAGCCCAC deleted; deleting any 25 consecutive bases within chr2:71,526,276-71,526,306 gives the same sequence; the c. name uses the placement nearest the transcript's 3' end. VCF-style (leftmost placement, unchanged base first): chr2-71526275-GGCCCACAGGCGTAGCCCTGCGAGGA-G. GRCh37 (hg19) VCF-style: chr2-71753405-GGCCCACAGGCGTAGCCCTGCGAGGA-G.
Other names: c.1119_1143del, p.Gly374fs (NM_001130455.2, NM_001130983.2, NM_001130984.2 and 1 more transcripts); c.1116_1140del, p.Gly373fs (NM_001130976.2, NM_001130977.2, NM_001130978.2 and 1 more transcripts); c.1209_1233del, p.Gly404fs (NM_001130979.2, NM_001130980.2, NM_001130981.2); c.1212_1236del, p.Gly405fs (NM_001130982.2, NM_001130985.2); short protein forms G374fs, G405fs, G404fs, G373fs.
Identifiers: ClinVar variation 1384770 (VCV001384770.6), dbSNP rs2152748581, ClinGen allele CA2573135850.

ClinVar aggregate classification (germline): Pathogenic (1 of 4 stars; one submission).

Conditions:
Neuromuscular disease caused by qualitative or quantitative defects of dysferlin. Also called: Qualitative or quantitative defects of dysferlin; Dysferlinopathy. Identifiers: Orphanet 207073, MedGen C2931687, MONDO:0016145.

Submission:

Labcorp Genetics (formerly Invitae), Labcorp
Classification: Pathogenic for Neuromuscular disease caused by qualitative or quantitative defects of dysferlin. Last evaluated: 2024-01-15. Review status: criteria provided, single submitter. Criteria: Invitae Variant Classification Sherloc (09022015). Collection method: clinical testing. Allele origin: germline.
Comment: This sequence change creates a premature translational stop signal (p.Gly373Serfs*3) in the DYSF gene. It is expected to result in an absent or disrupted protein product. Loss-of-function variants in DYSF are known to be pathogenic (PMID: 17698709, 20301480). This variant is not present in population databases (gnomAD no frequency). This variant has not been reported in the literature in individuals affected with DYSF-related conditions. ClinVar contains an entry for this variant (Variation ID: 1384770). For these reasons, this variant has been classified as Pathogenic.

Literature cited by the submitters: PubMed 17698709; PubMed 20301480.